The following is an entry in ClinVar:

ClinVar aggregate classification (germline): Uncertain significance. Review status: criteria provided, multiple submitters, no conflicts (2 of 4 stars). 2 submissions from 2 submitters: Uncertain significance (2). Last evaluated 2024-11-25.

Conditions:
Hypogonadotropic hypogonadism 25 with anosmia. Identifiers: MedGen C5394246, MONDO:0030010, OMIM 618841.

Submissions (2):

Ambry Genetics
Classification: Uncertain significance. Last evaluated: 2024-11-25. Review status: criteria provided, single submitter. Criteria: Ambry Variant Classification Scheme 2023. Collection method: clinical testing. Allele origin: germline.

Victorian Clinical Genetics Services, Murdoch Childrens Research Institute
Classification: Uncertain significance for Hypogonadotropic hypogonadism 25 with anosmia. Last evaluated: 2023-07-16. Review status: criteria provided, single submitter. Criteria: ACMG Guidelines, 2015. Collection method: clinical testing. Allele origin: germline. Inheritance: Autosomal dominant inheritance. Affected: yes.
Comment: Based on the classification scheme VCGS_Germline_v1.3.4, this variant is classified as VUS-3B. Following criteria are met: 0102 - Loss of function is a known mechanism of disease in this gene and is associated with hypogonadotropic hypogonadism 25 with anosmia (MIM#618841; PMID: 31883645). (I) 0107 - This gene is associated with autosomal dominant disease. (I) 0112 - The condition associated with this gene has incomplete penetrance (PMID: 31883645). (I) 0115 - Variants in this gene are known to have variable expressivity, with several variant positive family members only displaying a partial phenotype (PMID: 31883645). (I) 0200 - Variant is predicted to result in a missense amino acid change from lysine to asparagine. (I) 0251 - This variant is heterozygous. (I) 0301 - Variant is absent from gnomAD (both v2 and v3). (SP) 0502 - Missense variant with conflicting in silico predictions and uninformative conservation. (I) 0600 - Variant is located in the annotated neuron-derived neurotrophic factor domain, first Fn(III) domain (DECIPHER). (I) 0705 - No comparable missense variants have previous evidence for pathogenicity. (I) 0807 - This variant has no previous evidence of pathogenicity. (I) 0905 - No published segregation evidence has been identified for this variant. (I) 1007 - No published functional evidence has been identified for this variant. (I) 1208 - Inheritance information for this variant is not currently available in this individual. (I) Legend: (SP) - Supporting pathogenic, (I) - Information, (SB) - Supporting benign

Literature cited by the submitters: PubMed 31883645 (cited by Victorian Clinical Genetics Services, Murdoch Childrens Research Institute).

NM_024574.4(NDNF):c.825A>C (p.Lys275Asn)

Gene: NDNF (neuron derived neurotrophic factor; minus strand). Cytogenetic location: 4q27.
Variant type: single nucleotide variant.
Coding change: c.825A>C on transcript NM_024574.4 (MANE Select); coding-DNA position 825, A replaced by C.
Protein change: p.Lys275Asn; replaces lysine 275 with asparagine.
Molecular consequence: missense variant.
Genome position (GRCh38, 1-based): chr4:121,037,146, T>G on the plus strand (A>C on the coding strand, the complement: NDNF is on the minus strand). VCF-style: chr4-121037146-T-G. GRCh37 (hg19) VCF-style: chr4-121958301-T-G.
Other names: short protein forms K275N.
Identifiers: ClinVar variation 3255171 (VCV003255171.2), dbSNP rs1726889245.